The following is an entry in ClinVar:

ClinVar aggregate classification (germline): Benign/Likely benign. Review status: criteria provided, multiple submitters, no conflicts (2 of 4 stars). 4 submissions from 4 submitters: Benign (1); Likely benign (2). 1 of the submissions does not count toward it. Last evaluated 2026-08-01.

Conditions:
INO80-related disorder. Also called: INO80-related condition.

Allele frequency attached by ClinVar (database versions not stated): 1000 Genomes Project 0.00659; 1000 Genomes Project 30x 0.00781; TOPMed 0.01248; ExAC 0.01361; ESP Exome Variant Server 0.01415; gnomAD 0.01426; gnomAD exomes 0.01917.
gnomAD v4.1: 29,751 of 1,596,270 alleles (1.9%); highest among the groups gnomAD compares: Non-Finnish European, 2.2%; 356 homozygotes.

Submissions (4):

CeGaT Center for Human Genetics Tuebingen
Classification: Benign. Last evaluated: 2026-08-01. Review status: criteria provided, single submitter. Criteria: CeGaT Center For Human Genetics Tuebingen Variant Classification Criteria Version 2. Collection method: clinical testing. Allele origin: germline. Affected: yes. Observed: 3 variant alleles.
Comment: INO80: BP4, BS1, BS2

ARUP Laboratories, Molecular Genetics and Genomics, ARUP Laboratories
Classification: Likely benign. Last evaluated: 2023-11-02. Review status: criteria provided, single submitter. Criteria: ARUP Molecular Germline Variant Investigation Process 2024. Collection method: clinical testing. Allele origin: germline.

Center for Genomics, Ann and Robert H. Lurie Children's Hospital of Chicago
Classification: Likely benign. Last evaluated: 2022-07-25. Review status: criteria provided, single submitter. Criteria: ACMG Guidelines, 2015. Collection method: clinical testing. Allele origin: germline.
Comment: This variant has been reported in the literature as part of a compound heterozygote in 1 individual with Immunoglobulin class-switch recombination defect (CSR-D) (Kracker 2015 PMID:25312759). Of note, the authors of this publication suggest that this variant may be most akin to a risk allele vs. a mendelian disease variant. This variant is present in the Genome Aggregation Database (Highest reported MAF 2% (1392/68036) including 20 homozygotes. This variant amino acid Valine (Val) is present in several species including multiple mammals and is not well conserved among evolutionarily distant species; this suggests that this variant may not impact the protein. Additional computational prediction tools do not suggest an impact. Of note, although this variant occurs in the exon, splice prediction tools suggest that this variant may affect splicing. However, further studies are needed to understand its impact. In summary, data on this variant suggests that this variant does not cause disease but requires further evidence. Therefore, this variant is classified as likely benign.

PreventionGenetics, part of Exact Sciences
Classification: Benign for INO80-related condition. Last evaluated: 2019-09-09. Review status: no assertion criteria provided. Collection method: clinical testing. Allele origin: germline. Not counted in ClinVar's aggregate classification.
Comment: This variant is classified as benign based on ACMG/AMP sequence variant interpretation guidelines (Richards et al. 2015 PMID: 25741868, with internal and published modifications).

NM_017553.3(INO80):c.2644A>G (p.Ile882Val)

Gene: INO80 (INO80 complex ATPase subunit; minus strand). Cytogenetic location: 15q15.1.
Variant type: single nucleotide variant.
Coding change: c.2644A>G on transcript NM_017553.3 (MANE Select); coding-DNA position 2644, A replaced by G.
Protein change: p.Ile882Val; replaces isoleucine 882 with valine.
Molecular consequence: missense variant. On other transcripts: non-coding transcript variant (1).
Genome position (GRCh38, 1-based): chr15:41,047,499, T>C on the plus strand (A>G on the coding strand, the complement: INO80 is on the minus strand). VCF-style: chr15-41047499-T-C. GRCh37 (hg19) VCF-style: chr15-41339697-T-C.
Other names: c.2644A>G (NM_017553.2); short protein forms I882V.
Identifiers: ClinVar variation 2428545 (VCV002428545.21), dbSNP rs34153025, ClinGen allele CA7488963.